The following is an entry in ClinVar:

ClinVar aggregate classification (germline): Uncertain significance (1 of 4 stars; one submission).

Conditions:
Duane-radial ray syndrome (DRRS). Also called: ACRORENOOCULAR SYNDROME; DR SYNDROME; DUANE ANOMALY WITH RADIAL RAY ABNORMALITIES AND DEAFNESS; Okihiro Syndrome; Duane-Radial Ray Syndrome/Okihiro Syndrome; Duane-Radial Ray Syndrome (DRRS) / Okihiro Syndrome. Identifiers: Orphanet 93293, Orphanet 959, MedGen C1623209, MONDO:0011812, OMIM 607323. Disease mechanism: gain of function.

Submission:

Labcorp Genetics (formerly Invitae), Labcorp
Classification: Uncertain significance for Duane-radial ray syndrome. Last evaluated: 2022-11-10. Review status: criteria provided, single submitter. Criteria: Invitae Variant Classification Sherloc (09022015). Collection method: clinical testing. Allele origin: germline.
Comment: In summary, the available evidence is currently insufficient to determine the role of this variant in disease. Therefore, it has been classified as a Variant of Uncertain Significance. This variant is not present in population databases (gnomAD no frequency). This variant has not been reported in the literature in individuals affected with SALL4-related conditions. Algorithms developed to predict the effect of missense changes on protein structure and function are either unavailable or do not agree on the potential impact of this missense change (SIFT: "Deleterious"; PolyPhen-2: "Probably Damaging"; Align-GVGD: "Class C15"). This sequence change replaces serine, which is neutral and polar, with phenylalanine, which is neutral and non-polar, at codon 1001 of the SALL4 protein (p.Ser1001Phe).

NM_020436.5(SALL4):c.3002C>T (p.Ser1001Phe)

Gene: SALL4 (spalt like transcription factor 4; minus strand). Cytogenetic location: 20q13.2.
Variant type: single nucleotide variant.
Coding change: c.3002C>T on transcript NM_020436.5 (MANE Select); coding-DNA position 3002, C replaced by T.
Protein change: p.Ser1001Phe; replaces serine 1001 with phenylalanine.
Molecular consequence: missense variant.
Genome position (GRCh38, 1-based): chr20:51,784,425, G>A on the plus strand (C>T on the coding strand, the complement: SALL4 is on the minus strand). VCF-style: chr20-51784425-G-A. GRCh37 (hg19) VCF-style: chr20-50400964-G-A.
Other names: c.1691C>T, p.Ser564Phe (NM_001318031.2); short protein forms S564F, S1001F.
Identifiers: ClinVar variation 2813402 (VCV002813402.3), dbSNP rs2515708731, ClinGen allele CA409005874.